The following is an entry in ClinVar:

ClinVar aggregate classification (germline): Uncertain significance (1 of 4 stars; one submission).

gnomAD v4.1: 5 of 1,613,844 alleles (0.00031%); highest among the groups gnomAD compares: Admixed American, 0.0033%; no homozygotes.

Submission:

Labcorp Genetics (formerly Invitae), Labcorp
Classification: Uncertain significance. Last evaluated: 2024-08-04. Review status: criteria provided, single submitter. Criteria: Invitae Variant Classification Sherloc (09022015). Collection method: clinical testing. Allele origin: germline.
Comment: This sequence change replaces arginine, which is basic and polar, with lysine, which is basic and polar, at codon 727 of the SPTA1 protein (p.Arg727Lys). This variant is not present in population databases (gnomAD no frequency). This variant has not been reported in the literature in individuals affected with SPTA1-related conditions. An algorithm developed to predict the effect of missense changes on protein structure and function outputs the following: PolyPhen-2: "Benign". The lysine amino acid residue is found in multiple mammalian species, which suggests that this missense change does not adversely affect protein function. In summary, the available evidence is currently insufficient to determine the role of this variant in disease. Therefore, it has been classified as a Variant of Uncertain Significance.

NM_003126.4(SPTA1):c.2180G>A (p.Arg727Lys)

Gene: SPTA1 (spectrin alpha, erythrocytic 1; minus strand). Cytogenetic location: 1q23.1.
Variant type: single nucleotide variant.
Coding change: c.2180G>A on transcript NM_003126.4 (MANE Select); coding-DNA position 2180, G replaced by A.
Protein change: p.Arg727Lys; replaces arginine 727 with lysine.
Molecular consequence: missense variant.
Genome position (GRCh38, 1-based): chr1:158,666,356, C>T on the plus strand (G>A on the coding strand, the complement: SPTA1 is on the minus strand). VCF-style: chr1-158666356-C-T. GRCh37 (hg19) VCF-style: chr1-158636146-C-T.
Other names: short protein forms R727K.
Identifiers: ClinVar variation 3719118 (VCV003719118.2).